The following is an entry in ClinVar:

ClinVar aggregate classification (germline): Benign. Review status: criteria provided, multiple submitters, no conflicts (2 of 4 stars). 4 submissions from 4 submitters: Benign (3). 1 of the submissions does not count toward it. Last evaluated 2026-02-03.

Conditions:
TBCK-related disorder. Also called: TBCK-related condition; TBCK-related disorders.

Allele frequency attached by ClinVar (database versions not stated): gnomAD exomes 0.00434 and 0.01209; ExAC 0.01459; gnomAD 0.04565 and 0.04907; 1000 Genomes Project 0.05032; TOPMed 0.05115; ESP Exome Variant Server 0.05176; 1000 Genomes Project 30x 0.05450.
gnomAD v4.1: 13,556 of 1,602,528 alleles (0.85%); highest among the groups gnomAD compares: African/African-American, 15%; 957 homozygotes.

Submissions (4):

Labcorp Genetics (formerly Invitae), Labcorp
Classification: Benign. Last evaluated: 2026-02-03. Review status: criteria provided, single submitter. Criteria: Invitae Variant Classification Sherloc (09022015). Collection method: clinical testing. Allele origin: germline.

GeneDx
Classification: Benign. Last evaluated: 2021-05-05. Review status: criteria provided, single submitter. Criteria: GeneDx Variant Classification Process June 2021. Collection method: clinical testing. Allele origin: germline. Affected: yes.

Breakthrough Genomics
Classification: Benign. Review status: criteria provided, single submitter. Criteria: ACMG Guidelines, 2015. Collection method: not provided. Allele origin: germline. Inheritance: Autosomal recessive inheritance. Affected: yes.

PreventionGenetics, part of Exact Sciences
Classification: Benign for TBCK-related condition. Last evaluated: 2019-07-03. Review status: no assertion criteria provided. Collection method: clinical testing. Allele origin: germline. Not counted in ClinVar's aggregate classification.
Comment: This variant is classified as benign based on ACMG/AMP sequence variant interpretation guidelines (Richards et al. 2015 PMID: 25741868, with internal and published modifications).

NM_001163435.3(TBCK):c.1707T>C (p.Cys569=)

Gene: TBCK (TBC1 domain containing kinase; minus strand). Cytogenetic location: 4q24.
Variant type: single nucleotide variant.
Coding change: c.1707T>C on transcript NM_001163435.3 (MANE Select); coding-DNA position 1707, T replaced by C.
Protein change: p.Cys569=; no amino-acid change (cysteine 569 retained).
Molecular consequence: synonymous variant.
Genome position (GRCh38, 1-based): chr4:106,230,430, A>G on the plus strand (T>C on the coding strand, the complement: TBCK is on the minus strand). VCF-style: chr4-106230430-A-G. GRCh37 (hg19) VCF-style: chr4-107151587-A-G.
Other names: c.1707T>C, p.Cys569= (NM_001163436.4); c.1590T>C, p.Cys530= (NM_001163437.3); c.1191T>C, p.Cys397= (NM_001290768.2); c.1518T>C, p.Cys506= (NM_033115.5).
Identifiers: ClinVar variation 1166224 (VCV001166224.12), dbSNP rs56312801, ClinGen allele CA3034959.